The following is an entry in ClinVar:

NM_001242896.3(DEPDC5):c.363+13_363+14delinsA

Gene: DEPDC5 (DEP domain containing 5, GATOR1 subcomplex subunit; plus strand). Cytogenetic location: 22q12.2.
Variant type: Indel.
Coding change: c.363+13_363+14delinsA on transcript NM_001242896.3 (MANE Select); bases 13 to 14 of the intron after coding-DNA position 363, TT replaced by A.
Molecular consequence: intron variant.
Genome position (GRCh38, 1-based): chr22:31,766,681-31,766,682, TT replaced by A. VCF-style: chr22-31766681-TT-A. GRCh37 (hg19) VCF-style: chr22-32162667-TT-A.
Other names: c.363+13_363+14delinsA (NM_001364318.2, NM_001136029.4, NM_014662.6 and 7 more transcripts); c.279+1621_279+1622delinsA (NM_001369902.1, NM_001369901.1).
Identifiers: ClinVar variation 4536051 (VCV004536051.1).

ClinVar aggregate classification (germline): Likely benign (1 of 4 stars; one submission).

Submission:

Women's Health and Genetics/Laboratory Corporation of America, LabCorp
Classification: Likely benign. Last evaluated: 2025-09-23. Review status: criteria provided, single submitter. Criteria: LabCorp Variant Classification Summary - May 2015. Collection method: clinical testing. Allele origin: germline.
Comment: Variant summary: DEPDC5 c.363+13_363+14delinsA alters a nucleotide located at a position not widely known to affect splicing. Consensus agreement among computation tools predict no significant impact on normal splicing. However, these predictions have yet to be confirmed by functional studies. The variant was absent in 277902 control chromosomes. The available data on variant occurrences in the general population are insufficient to allow any conclusion about variant significance. To our knowledge, no occurrence of c.363+13_363+14delinsA in individuals affected with DEPDC5-related conditions and no experimental evidence demonstrating its impact on protein function have been reported. No submitters have cited clinical-significance assessments for this variant to ClinVar. Based on the evidence outlined above, the variant was classified as likely benign.